The following is an entry in ClinVar:

ClinVar aggregate classification (germline): Pathogenic (1 of 4 stars; one submission).

Conditions:
POLG-related disorder. Also called: POLG-Related Spectrum Disorders; POLG-related condition; POLG-Related Disorders. Identifiers: MedGen C4763519.

Submission:

Myriad Genetics, Inc.
Classification: Pathogenic for POLG-related disorder. Last evaluated: 2026-06-17. Review status: criteria provided, single submitter. Criteria: Myriad Autosomal Dominant, Autosomal Recessive and X-Linked Classification Criteria (2023). Collection method: clinical testing. Allele origin: unknown.
Comment: NM_002693.2(POLG):c.1437C>G(Y479*) is expected to be pathogenic in the context of POLG-related disorders. This variant is predicted to lead to an abnormal or absent protein product due to the creation of a premature termination codon in POLG, a gene where loss-of-function variants are known to be pathogenic. Please note: this variant was assessed in the context of healthy population screening.

NM_002693.3(POLG):c.1437C>G (p.Tyr479Ter)

Gene: POLG (DNA polymerase gamma, catalytic subunit; minus strand). Cytogenetic location: 15q26.1.
Variant type: single nucleotide variant.
Coding change: c.1437C>G on transcript NM_002693.3 (MANE Select); coding-DNA position 1437, C replaced by G.
Protein change: p.Tyr479Ter; replaces tyrosine 479 with a stop codon.
Molecular consequence: nonsense.
Genome position (GRCh38, 1-based): chr15:89,327,060, G>C on the plus strand (C>G on the coding strand, the complement: POLG is on the minus strand). VCF-style: chr15-89327060-G-C. GRCh37 (hg19) VCF-style: chr15-89870291-G-C.
Other names: c.1437C>G, p.Tyr479Ter (NM_001126131.2); short protein forms Y479*.
Identifiers: ClinVar variation 5016043 (VCV005016043.1).